The following is an entry in ClinVar:

ClinVar aggregate classification (germline): Likely benign (0 of 4 stars; one submission).

Conditions:
NIPA1-related disorder. Also called: NIPA1-related condition.

Submission:

PreventionGenetics, part of Exact Sciences
Classification: Likely benign for NIPA1-related condition. Last evaluated: 2022-06-15. Review status: no assertion criteria provided. Collection method: clinical testing. Allele origin: germline.
Comment: This variant is classified as likely benign based on ACMG/AMP sequence variant interpretation guidelines (Richards et al. 2015 PMID: 25741868, with internal and published modifications).

NM_144599.5(NIPA1):c.-10C>G

Genes: NIPA1 (NIPA magnesium transporter 1; plus strand), LOC130056709 (ATAC-STARR-seq lymphoblastoid silent region 6259; plus strand). Cytogenetic location: 15q11.2.
Variant type: single nucleotide variant.
Coding change: c.-10C>G on transcript NM_144599.5 (MANE Select); 10 bases upstream of the start codon, C replaced by G.
Molecular consequence: 5 prime UTR variant. On other transcripts: intron variant (1).
Genome position (GRCh38, 1-based): chr15:22,786,647, C>G. VCF-style: chr15-22786647-C-G. GRCh37 (hg19) VCF-style: chr15-23086421-G-C.
Other names: c.-48+399C>G (NM_001142275.1).
Identifiers: ClinVar variation 3029067 (VCV003029067.2), dbSNP rs1285562776, ClinGen allele CA2627248963.
Genomic context (GRCh38, chr15:22,786,647, plus strand): 5'-CGGTCACCCCCCATCCCGCCCCGCGGGGCGCGGCGCGCAGGCGCAGGCTCGGAGGGCGGG[C>G]GCGGGCGGAATGGGGACTGCAGCTGCGGCAGCGGCGGCGGCGGCGGCGGCGGCGGCCGGG-3'